The following is an entry in ClinVar:

NM_177438.3(DICER1):c.1120A>G (p.Thr374Ala)

Gene: DICER1 (dicer 1, ribonuclease III; minus strand). Cytogenetic location: 14q32.13.
Variant type: single nucleotide variant.
Coding change: c.1120A>G on transcript NM_177438.3 (MANE Select); coding-DNA position 1120, A replaced by G.
Protein change: p.Thr374Ala; replaces threonine 374 with alanine.
Molecular consequence: missense variant.
Genome position (GRCh38, 1-based): chr14:95,124,452, T>C on the plus strand (A>G on the coding strand, the complement: DICER1 is on the minus strand). VCF-style: chr14-95124452-T-C. GRCh37 (hg19) VCF-style: chr14-95590789-T-C.
Other names: c.1120A>G, p.Thr374Ala (NM_001195573.1, NM_001271282.3, NM_001291628.2 and 1 more transcripts); short protein forms T374A.
Identifiers: ClinVar variation 1379725 (VCV001379725.9), dbSNP rs2140205045, ClinGen allele CA390886918.

ClinVar aggregate classification (germline): Uncertain significance (1 of 4 stars; one submission).

Conditions:
DICER1-related tumor predisposition. Also called: DICER1 syndrome; DICER1-related pleuropulmonary blastoma cancer predisposition syndrome. Identifiers: Orphanet 284343, MedGen C3839822, MONDO:0100216.

Submission:

Labcorp Genetics (formerly Invitae), Labcorp
Classification: Uncertain significance for DICER1-related tumor predisposition. Last evaluated: 2022-05-31. Review status: criteria provided, single submitter. Criteria: Invitae Variant Classification Sherloc (09022015). Collection method: clinical testing. Allele origin: germline.
Comment: Algorithms developed to predict the effect of sequence changes on RNA splicing suggest that this variant may create or strengthen a splice site. Algorithms developed to predict the effect of missense changes on protein structure and function (SIFT, PolyPhen-2, Align-GVGD) all suggest that this variant is likely to be tolerated. ClinVar contains an entry for this variant (Variation ID: 1379725). This variant has not been reported in the literature in individuals affected with DICER1-related conditions. This variant is not present in population databases (gnomAD no frequency). This sequence change replaces threonine, which is neutral and polar, with alanine, which is neutral and non-polar, at codon 374 of the DICER1 protein (p.Thr374Ala). In summary, the available evidence is currently insufficient to determine the role of this variant in disease. Therefore, it has been classified as a Variant of Uncertain Significance.